The following is an entry in ClinVar:

ClinVar aggregate classification (germline): Pathogenic/Likely pathogenic. Review status: criteria provided, multiple submitters, no conflicts (2 of 4 stars). 2 submissions from 2 submitters: Pathogenic (1); Likely pathogenic (1). Last evaluated 2023-08-31.

Conditions:
Propionic acidemia (PROP). Also called: GLYCINEMIA, KETOTIC; HYPERGLYCINEMIA WITH KETOACIDOSIS AND LEUKOPENIA; KETOTIC HYPERGLYCINEMIA. Identifiers: Orphanet 35, MedGen C0268579, MONDO:0011628, OMIM 606054, HP:0003571.

Submissions (2):

Baylor Genetics
Classification: Likely pathogenic for Propionic acidemia. Last evaluated: 2023-08-31. Review status: criteria provided, single submitter. Criteria: ACMG Guidelines, 2015. Collection method: clinical testing. Allele origin: unknown.

Labcorp Genetics (formerly Invitae), Labcorp
Classification: Pathogenic for Propionic acidemia. Last evaluated: 2022-04-30. Review status: criteria provided, single submitter. Criteria: Invitae Variant Classification Sherloc (09022015). Collection method: clinical testing. Allele origin: germline.
Comment: For these reasons, this variant has been classified as Pathogenic. This variant has not been reported in the literature in individuals affected with PCCB-related conditions. This variant is not present in population databases (gnomAD no frequency). This sequence change creates a premature translational stop signal (p.Thr150Asnfs*11) in the PCCB gene. It is expected to result in an absent or disrupted protein product. Loss-of-function variants in PCCB are known to be pathogenic (PMID: 15464417).

Literature cited by the submitters: PubMed 15464417 (cited by Labcorp Genetics (formerly Invitae), Labcorp).

NM_000532.5(PCCB):c.446dup (p.Thr150fs)

Gene: PCCB (propionyl-CoA carboxylase subunit beta; plus strand). Cytogenetic location: 3q22.3.
Variant type: Duplication.
Coding change: c.446dup on transcript NM_000532.5 (MANE Select); coding-DNA position 446, one base duplicated (T; older notation c.446dupT).
Protein change: p.Thr150fs; shifts the reading frame from threonine 150.
Molecular consequence: frameshift variant.
Genome position (GRCh38, 1-based): chr3:136,261,968, T duplicated. VCF-style (leftmost placement, unchanged base first): chr3-136261967-A-AT. GRCh37 (hg19) VCF-style: chr3-135980809-A-AT.
Other names: c.506dup, p.Thr170fs (NM_001178014.2); short protein forms T170fs, T150fs.
Identifiers: ClinVar variation 1958670 (VCV001958670.6), dbSNP rs2529763694, ClinGen allele CA2580068819.